The following is an entry in ClinVar:

ClinVar aggregate classification (germline): Uncertain significance (1 of 4 stars; one submission).

Conditions:
Immunodeficiency 14 (IMD14A). Also called: p110-DELTA-ACTIVATING MUTATION CAUSING SENESCENT T CELLS, LYMPHADENOPATHY, AND IMMUNODEFICIENCY; ACTIVATED PI3K-DELTA SYNDROME 1; Activated PI3K Delta Syndrome Type 1 (APDS1); IMMUNODEFICIENCY 14A WITH LYMPHOPROLIFERATION, AUTOSOMAL DOMINANT. Identifiers: Orphanet 397596, Orphanet 693661, MedGen C5907821, MONDO:0014222, OMIM 615513.

Submission:

Labcorp Genetics (formerly Invitae), Labcorp
Classification: Uncertain significance for Activated PI3K-delta syndrome. Last evaluated: 2025-12-02. Review status: criteria provided, single submitter. Criteria: Invitae Variant Classification Sherloc (09022015). Collection method: clinical testing. Allele origin: germline.
Comment: This sequence change replaces tyrosine, which is neutral and polar, with histidine, which is basic and polar, at codon 254 of the PIK3CD protein (p.Tyr254His). This variant is not present in population databases (gnomAD no frequency). This variant has not been reported in the literature in individuals affected with PIK3CD-related conditions. Invitae Evidence Modeling of protein sequence and biophysical properties (such as structural, functional, and spatial information, amino acid conservation, physicochemical variation, residue mobility, and thermodynamic stability) indicates that this missense variant is not expected to disrupt PIK3CD protein function with a negative predictive value of 80%. In summary, the available evidence is currently insufficient to determine the role of this variant in disease. Therefore, it has been classified as a Variant of Uncertain Significance.

NM_005026.5(PIK3CD):c.760T>C (p.Tyr254His)

Gene: PIK3CD (phosphatidylinositol-4,5-bisphosphate 3-kinase catalytic subunit delta; plus strand). Cytogenetic location: 1p36.22.
Variant type: single nucleotide variant.
Coding change: c.760T>C on transcript NM_005026.5 (MANE Select); coding-DNA position 760, T replaced by C.
Protein change: p.Tyr254His; replaces tyrosine 254 with histidine.
Molecular consequence: missense variant.
Genome position (GRCh38, 1-based): chr1:9,716,599, T>C. VCF-style: chr1-9716599-T-C. GRCh37 (hg19) VCF-style: chr1-9776657-T-C.
Other names: c.760T>C, p.Tyr254His (NM_001439206.1, NM_001350234.2, NM_001350235.1 and 3 more transcripts); short protein forms Y254H.
Identifiers: ClinVar variation 4741017 (VCV004741017.1).